The following is an entry in ClinVar:

NM_000138.5(FBN1):c.179G>A (p.Gly60Glu)

Gene: FBN1 (fibrillin 1; minus strand). Cytogenetic location: 15q21.1.
Variant type: single nucleotide variant.
Coding change: c.179G>A on transcript NM_000138.5 (MANE Select); coding-DNA position 179, G replaced by A.
Protein change: p.Gly60Glu; replaces glycine 60 with glutamic acid.
Molecular consequence: missense variant.
Genome position (GRCh38, 1-based): chr15:48,613,078, C>T on the plus strand (G>A on the coding strand, the complement: FBN1 is on the minus strand). VCF-style: chr15-48613078-C-T. GRCh37 (hg19) VCF-style: chr15-48905275-C-T.
Other names: c.179G>A, p.Gly60Glu (NM_001406716.1, NM_001406717.1); short protein forms G60E.
Identifiers: ClinVar variation 3069687 (VCV003069687.1), dbSNP rs139788702, ClinGen allele CA392448504.
Genomic context (GRCh38, chr15:48,613,078, plus strand): 5'-CACTGATTTCCGCCAGGTAAGGTTTTCCATCCAGGGCAACAGTAAGCATTATAACGTGAT[C>T]CACAGACATTGGGTCTAAAACAAAAACAGAAGAATTCCATACTTTAAAAAAAAGAAGAAG-3'
Protein context (NP_000129.3, residues 50-70): HDALKGPNVC[Gly60Glu]SRYNAYCCPG

ClinVar aggregate classification (germline): Uncertain significance (1 of 4 stars; one submission).

Conditions:
Marfan syndrome (MFS). Also called: MARFAN SYNDROME, TYPE I; Marfan syndrome type 1; Marfan's syndrome; Marfan syndrome, classic; FBN1-Related Marfan Syndrome. Identifiers: Orphanet 284963, Orphanet 558, MedGen C0024796, MONDO:0007947, OMIM 154700.

Submission:

All of Us Research Program, National Institutes of Health
Classification: Uncertain significance for Marfan syndrome. Last evaluated: 2023-02-24. Review status: criteria provided, single submitter. Criteria: ACMG Guidelines, 2015. Collection method: clinical testing. Allele origin: germline. Inheritance: Autosomal dominant inheritance. Observed: 1 variant allele, 1 heterozygote.
Comment: This missense variant replaces glycine with glutamic acid at codon 60 of the FBN1 protein. Computational prediction is inconclusive regarding the impact of this variant on protein structure and function (internally defined REVEL score threshold 0.5 < inconclusive < 0.7, PMID: 27666373). To our knowledge, functional studies have not been reported for this variant. This variant has not been reported in individuals affected with FBN1-related disorders in the literature. This variant has not been identified in the general population by the Genome Aggregation Database (gnomAD). The available evidence is insufficient to determine the role of this variant in disease conclusively. Therefore, this variant is classified as a Variant of Uncertain Significance.

This study involves interpretation of variants in research participants for the purpose of population health screening. Participant phenotype was not available at the time of variant classification. Additional details can be found in publication PMID: 35346344, PMCID: PMC8962531